The following is an entry in ClinVar:

NC_012920.1(MT-ND2):m.4725A>C

Gene: MT-ND2 (mitochondrially encoded NADH dehydrogenase 2; plus strand).
Variant type: single nucleotide variant.
Genome position: chrM-4725-A-C.
Identifiers: ClinVar variation 692489 (VCV000692489.1), dbSNP rs1603219581, ClinGen allele CA414775505.

ClinVar aggregate classification (germline): Likely benign (1 of 4 stars; one submission).

Conditions:
Leigh syndrome (NULS). Also called: Leigh's necrotizing encephalopathy; Leigh's disease; Leigh Syndrome (mtDNA deletion); Leigh Disease; Subacute necrotizing encephalopathy; Necrotizing encephalopathy infantile subacute of Leigh. Identifiers: Orphanet 506, MedGen C2931891, MONDO:0009723, OMIM 256000.

Submission:

Wong Mito Lab, Molecular and Human Genetics, Baylor College of Medicine
Classification: Likely benign for Leigh syndrome. Last evaluated: 2019-10-17. Review status: criteria provided, single submitter. Criteria: Modified ACMG Guidelines (Unpublished). Collection method: clinical testing. Allele origin: germline.
Comment: The NC_012920.1:m.4725A>C (YP_003024027.1:p.Met86Leu) variant in MTND2 gene is interpretated to be a Likely Benign variant based on the modified ACMG guidelines (unpublished). This variant meets the following evidence codes: BS4, BP4, BP6